The following is an entry in ClinVar:

NM_000383.4(AIRE):c.1103C>T (p.Pro368Leu)

Gene: AIRE (autoimmune regulator; plus strand). Cytogenetic location: 21q22.3.
Variant type: single nucleotide variant.
Coding change: c.1103C>T on transcript NM_000383.4 (MANE Select); coding-DNA position 1103, C replaced by T.
Protein change: p.Pro368Leu; replaces proline 368 with leucine.
Molecular consequence: missense variant.
Genome position (GRCh38, 1-based): chr21:44,293,000, C>T. VCF-style: chr21-44293000-C-T. GRCh37 (hg19) VCF-style: chr21-45712883-C-T.
Other names: short protein forms P368L.
Identifiers: ClinVar variation 636416 (VCV000636416.7), dbSNP rs552129156, ClinGen allele CA10051949.
Genomic context (GRCh38, chr21:44,293,000, plus strand): 5'-GTGGTGCCGGGCAGGCGCCCGCTGCCCCTCTGATGCTGACCCTTGGGTTCCAGCTCCCCC[C>T]GGGGCTTAGGTCGGCGGGAGAGGAGGTAAGAGGTCCACCTGGGGAACCCCTAGCCGGCAT-3'
Protein context (NP_000374.1, residues 358-378): QEPPVETPLP[Pro368Leu]GLRSAGEEVR

ClinVar aggregate classification (germline): Uncertain significance. Review status: criteria provided, multiple submitters, no conflicts (2 of 4 stars). 2 submissions from 2 submitters: Uncertain significance (2). Last evaluated 2026-01-20.

Conditions:
Polyglandular autoimmune syndrome, type 1 (APS1). Also called: Autoimmune polyendocrinopathy syndrome, type I; Autoimmune polyendocrine syndrome type 1; Whitaker syndrome; AUTOIMMUNE POLYENDOCRINE SYNDROME, TYPE I, WITH OR WITHOUT REVERSIBLE METAPHYSEAL DYSPLASIA; APS I; Autoimmune polyendocrinopathy syndrome , type I, with or without reversible metaphyseal dysplasia. Identifiers: Orphanet 3453, MedGen C0085859, MONDO:0009411, OMIM 240300.

Allele frequency attached by ClinVar (database versions not stated): ExAC 0.00004; gnomAD exomes 0.00004 and 0.00008; gnomAD 0.00006 and 0.00007; TOPMed 0.00009; 1000 Genomes Project 30x 0.00016; 1000 Genomes Project 0.00020.
gnomAD v4.1: 65 of 1,612,334 alleles (0.004%); highest among the groups gnomAD compares: Admixed American, 0.022%; no homozygotes.

Submissions (2):

Labcorp Genetics (formerly Invitae), Labcorp
Classification: Uncertain significance for Polyglandular autoimmune syndrome, type 1. Last evaluated: 2026-01-20. Review status: criteria provided, single submitter. Criteria: Invitae Variant Classification Sherloc (09022015). Collection method: clinical testing. Allele origin: germline.
Comment: This sequence change replaces proline, which is neutral and non-polar, with leucine, which is neutral and non-polar, at codon 368 of the AIRE protein (p.Pro368Leu). This variant is present in population databases (rs552129156, gnomAD 0.03%). This variant has not been reported in the literature in individuals affected with AIRE-related conditions. ClinVar contains an entry for this variant (Variation ID: 636416). Invitae Evidence Modeling of protein sequence and biophysical properties (such as structural, functional, and spatial information, amino acid conservation, physicochemical variation, residue mobility, and thermodynamic stability) indicates that this missense variant is not expected to disrupt AIRE protein function with a negative predictive value of 95%. In summary, the available evidence is currently insufficient to determine the role of this variant in disease. Therefore, it has been classified as a Variant of Uncertain Significance.

Blueprint Genetics
Classification: Uncertain significance. Last evaluated: 2024-06-12. Review status: criteria provided, single submitter. Criteria: ACMG Guidelines, 2015. Collection method: clinical testing. Allele origin: germline.